The following is an entry in ClinVar:

NC_012920.1(MT-ATP6):m.9098T>G

Gene: MT-ATP6 (mitochondrially encoded ATP synthase 6; plus strand).
Variant type: single nucleotide variant.
Genome position: chrM-9098-T-G.
Identifiers: ClinVar variation 693089 (VCV000693089.1), dbSNP rs201559119, ClinGen allele CA414802208.
Genomic context (GRCh38, chrMT:9,098, plus strand): 5'-TGCACCTAATTGGAAGCGCCACCCTAGCAATATCAACCATTAACCTTCCCTCTACACTTA[T>G]CATCTTCACAATTCTAATTCTACTGACTATCCTAGAAATCGCTGTCGCCTTAATCCAAGC-3'

ClinVar aggregate classification (germline): Benign (1 of 4 stars; one submission).

Conditions:
Leigh syndrome (NULS). Also called: Leigh's necrotizing encephalopathy; Leigh's disease; Leigh Syndrome (mtDNA deletion); Leigh Disease; Subacute necrotizing encephalopathy; Necrotizing encephalopathy infantile subacute of Leigh. Identifiers: Orphanet 506, MedGen C2931891, MONDO:0009723, OMIM 256000.

Submission:

Wong Mito Lab, Molecular and Human Genetics, Baylor College of Medicine
Classification: Benign for Leigh syndrome. Last evaluated: 2019-10-17. Review status: criteria provided, single submitter. Criteria: Modified ACMG Guidelines (Unpublished). Collection method: clinical testing. Allele origin: germline.
Comment: The NC_012920.1:m.9098T>G (YP_003024031.1:p.Ile191Ser) variant in MTATP6 gene is interpretated to be a Benign variant based on the modified ACMG guidelines (unpublished). This variant meets the following evidence codes: BS1, BS4